The following is an entry in ClinVar:

NM_004006.3(DMD):c.10458C>A (p.Ser3486Arg)

Gene: DMD (dystrophin; minus strand). Cytogenetic location: Xp21.2.
Variant type: single nucleotide variant.
Coding change: c.10458C>A on transcript NM_004006.3 (MANE Select); coding-DNA position 10458, C replaced by A.
Protein change: p.Ser3486Arg; replaces serine 3486 with arginine.
Molecular consequence: missense variant. On other transcripts: intron variant (2).
Genome position (GRCh38, 1-based): chrX:31,169,538, G>T on the plus strand (C>A on the coding strand, the complement: DMD is on the minus strand). VCF-style: chrX-31169538-G-T. GRCh37 (hg19) VCF-style: chrX-31187655-G-T.
Other names: c.1215C>A, p.Ser405Arg (NM_004017.3, NM_004018.3); c.3078C>A, p.Ser1026Arg (NM_004021.3, NM_004013.3); c.3039C>A, p.Ser1013Arg (NM_004022.3); c.2843+9131C>A (NM_004023.3, NM_004020.4); c.10434C>A, p.Ser3478Arg (NM_000109.4); c.10446C>A, p.Ser3482Arg (NM_004009.3); c.10089C>A, p.Ser3363Arg (NM_004010.3); c.6435C>A, p.Ser2145Arg (NM_004011.4); and 3 more; short protein forms S1013R, S2142R, S3478R, S3486R, S405R, S418R, S2145R, S3482R.
Identifiers: ClinVar variation 5035407 (VCV005035407.1).
Genomic context (GRCh38, chrX:31,169,538, plus strand): 5'-TAGCTCCCCTCTTTCCTCACTCTCTAAGGAAATCAAGATCTGGGCAGGACTACGAGGCTG[G>T]CTCAGGGGGGAGTCCTGGTTCAAACTTTGGCAGTAATGCTGGATTAACAAATGTTCATCA-3'
Protein context (NP_003997.2, residues 3476-3496): CQSLNQDSPL[Ser3486Arg]QPRSPAQILI

ClinVar aggregate classification (germline): Uncertain significance (1 of 4 stars; one submission).

Conditions:
Cardiovascular phenotype. Identifiers: MedGen CN230736.

Submission:

Ambry Genetics
Classification: Uncertain significance for Cardiovascular phenotype. Last evaluated: 2026-09-14. Review status: criteria provided, single submitter. Criteria: Ambry Variant Classification Scheme 2023. Collection method: clinical testing. Allele origin: germline.
Comment: The p.S3486R variant (also known as c.10458C>A), located in coding exon 74 of the DMD gene, results from a C to A substitution at nucleotide position 10458. The serine at codon 3486 is replaced by arginine, an amino acid with dissimilar properties. This amino acid position is conserved. In addition, the in silico prediction for this alteration is inconclusive. Based on the available evidence, the clinical significance of this variant remains unclear.